The following is an entry in ClinVar:

NM_198075.4(LRRC56):c.1331C>T (p.Ser444Leu)

Gene: LRRC56 (leucine rich repeat containing 56; plus strand). Cytogenetic location: 11p15.5.
Variant type: single nucleotide variant.
Coding change: c.1331C>T on transcript NM_198075.4 (MANE Select); coding-DNA position 1331, C replaced by T.
Protein change: p.Ser444Leu; replaces serine 444 with leucine.
Molecular consequence: missense variant.
Genome position (GRCh38, 1-based): chr11:553,978, C>T. VCF-style: chr11-553978-C-T. GRCh37 (hg19) VCF-style: chr11-553978-C-T.
Other names: short protein forms S444L.
Identifiers: ClinVar variation 2189933 (VCV002189933.1), dbSNP rs776447263, ClinGen allele CA5780079.

ClinVar aggregate classification (germline): Uncertain significance (1 of 4 stars; one submission).

Allele frequency attached by ClinVar (database versions not stated): ExAC 0.00001; gnomAD 0.00003.
gnomAD v4.1: 49 of 1,611,844 alleles (0.003%); highest among the groups gnomAD compares: African/African-American, 0.004%; no homozygotes.

Submission:

Labcorp Genetics (formerly Invitae), Labcorp
Classification: Uncertain significance. Last evaluated: 2022-01-26. Review status: criteria provided, single submitter. Criteria: Invitae Variant Classification Sherloc (09022015). Collection method: clinical testing. Allele origin: germline.
Comment: This sequence change replaces serine, which is neutral and polar, with leucine, which is neutral and non-polar, at codon 444 of the LRRC56 protein (p.Ser444Leu). This variant is present in population databases (rs776447263, gnomAD 0.008%). This variant has not been reported in the literature in individuals affected with LRRC56-related conditions. Algorithms developed to predict the effect of missense changes on protein structure and function output the following: SIFT: "Tolerated"; PolyPhen-2: "Benign"; Align-GVGD: "Class C0". The leucine amino acid residue is found in multiple mammalian species, which suggests that this missense change does not adversely affect protein function. In summary, the available evidence is currently insufficient to determine the role of this variant in disease. Therefore, it has been classified as a Variant of Uncertain Significance.